The following is an entry in ClinVar:

ClinVar aggregate classification (germline): Benign/Likely benign. Review status: criteria provided, multiple submitters, no conflicts (2 of 4 stars). 6 submissions from 6 submitters: Benign (2); Likely benign (3). 1 of the submissions does not count toward it. Last evaluated 2026-09-01.

Conditions:
TTBK2-related disorder. Also called: TTBK2-related condition.
Spinocerebellar ataxia type 11 (SCA11). Identifiers: Orphanet 98767, MedGen C1858351, MONDO:0011464, OMIM 604432.

Allele frequency attached by ClinVar (database versions not stated): TOPMed 0.00063; ESP Exome Variant Server 0.00068; gnomAD 0.00091 and 0.00094; ExAC 0.00114.

Submissions (6):

CeGaT Center for Human Genetics Tuebingen
Classification: Likely benign. Last evaluated: 2026-09-01. Review status: criteria provided, single submitter. Criteria: CeGaT Center For Human Genetics Tuebingen Variant Classification Criteria Version 2. Collection method: clinical testing. Allele origin: germline. Affected: yes. Observed: 2 variant alleles.
Comment: TTBK2: BS1

Labcorp Genetics (formerly Invitae), Labcorp
Classification: Likely benign. Last evaluated: 2025-07-22. Review status: criteria provided, single submitter. Criteria: Invitae Variant Classification Sherloc (09022015). Collection method: clinical testing. Allele origin: germline.

Blueprint Genetics
Classification: Likely benign. Last evaluated: 2024-11-21. Review status: criteria provided, single submitter. Criteria: ACMG Guidelines, 2015. Collection method: clinical testing. Allele origin: germline.

Athena Diagnostics
Classification: Benign. Last evaluated: 2021-02-19. Review status: criteria provided, single submitter. Criteria: Athena Diagnostics criteria. Collection method: clinical testing. Allele origin: unknown.

Illumina Laboratory Services, Illumina
Classification: Benign for Spinocerebellar ataxia type 11. Last evaluated: 2017-10-17. Review status: criteria provided, single submitter. Criteria: ICSL Variant Classification Criteria 13 December 2019. Collection method: clinical testing. Allele origin: germline.
Comment: This variant was observed as part of a predisposition screen in an ostensibly healthy population. A literature search was performed for the gene, cDNA change, and amino acid change (where applicable). Publications were found based on this search. The evidence from the literature, in combination with allele frequency data from public databases where available, was sufficient to rule this variant out of causing disease. Therefore, this variant is classified as benign.

PreventionGenetics, part of Exact Sciences
Classification: Likely benign for TTBK2-related condition. Last evaluated: 2022-04-27. Review status: no assertion criteria provided. Collection method: clinical testing. Allele origin: germline. Not counted in ClinVar's aggregate classification.
Comment: This variant is classified as likely benign based on ACMG/AMP sequence variant interpretation guidelines (Richards et al. 2015 PMID: 25741868, with internal and published modifications).

Literature cited by the submitters: PubMed 19533200 (cited by Athena Diagnostics and Illumina Laboratory Services, Illumina); PubMed 22073189 (cited by Athena Diagnostics); PubMed 24808823 (cited by Illumina Laboratory Services, Illumina).

NM_173500.4(TTBK2):c.3329G>A (p.Arg1110His)

Gene: TTBK2 (tau tubulin kinase 2; minus strand). Cytogenetic location: 15q15.2.
Variant type: single nucleotide variant.
Coding change: c.3329G>A on transcript NM_173500.4 (MANE Select); coding-DNA position 3329, G replaced by A.
Protein change: p.Arg1110His; replaces arginine 1110 with histidine.
Molecular consequence: missense variant.
Genome position (GRCh38, 1-based): chr15:42,746,201, C>T on the plus strand (G>A on the coding strand, the complement: TTBK2 is on the minus strand). VCF-style: chr15-42746201-C-T. GRCh37 (hg19) VCF-style: chr15-43038399-C-T.
Other names: short protein forms R1110H.
Identifiers: ClinVar variation 71891 (VCV000071891.45), dbSNP rs146279300, ClinGen allele CA7516595.